The following is an entry in ClinVar:

ClinVar aggregate classification (germline): Likely benign (1 of 4 stars; one submission).

Allele frequency attached by ClinVar (database versions not stated): 1000 Genomes Project 0.01018; 1000 Genomes Project 30x 0.01093; gnomAD 0.01204 and 0.01286; TOPMed 0.01245.
gnomAD v4.1: 1,976 of 152,328 alleles (1.3%); highest among the groups gnomAD compares: South Asian, 3.9%; 21 homozygotes.

Submission:

GeneDx
Classification: Likely benign. Last evaluated: 2018-06-15. Review status: criteria provided, single submitter. Criteria: GeneDx Variant Classification (06012015). Collection method: clinical testing. Allele origin: germline. Affected: yes.
Comment: This variant is considered likely benign or benign based on one or more of the following criteria: it is a conservative change, it occurs at a poorly conserved position in the protein, it is predicted to be benign by multiple in silico algorithms, and/or has population frequency not consistent with disease.

NM_000465.4(BARD1):c.159-261T>G

Gene: BARD1 (BRCA1 associated RING domain 1; minus strand). Cytogenetic location: 2q35.
Variant type: single nucleotide variant.
Coding change: c.159-261T>G on transcript NM_000465.4 (MANE Select); 261 bases into the intron before coding-DNA position 159, T replaced by G.
Molecular consequence: intron variant.
Genome position (GRCh38, 1-based): chr2:214,797,378, A>C on the plus strand (T>G on the coding strand, the complement: BARD1 is on the minus strand). VCF-style: chr2-214797378-A-C. GRCh37 (hg19) VCF-style: chr2-215662102-A-C.
Other names: c.158+12034T>G (NM_001282548.2); c.159-4933T>G (NM_001282543.2); c.159-261T>G (NM_001282545.2, NM_001282549.2).
Identifiers: ClinVar variation 679701 (VCV000679701.1), dbSNP rs75146556, ClinGen allele CA64802492.